The following is an entry in ClinVar:

ClinVar aggregate classification (germline): Likely benign. Review status: criteria provided, multiple submitters, no conflicts (2 of 4 stars). 3 submissions from 3 submitters: Likely benign (3). Last evaluated 2025-12-23.

Allele frequency attached by ClinVar (database versions not stated): gnomAD exomes 0.00009; ExAC 0.00011; gnomAD 0.00012; TOPMed 0.00013.
gnomAD v4.1: 64 of 1,192,825 alleles (0.0054%); highest among the groups gnomAD compares: Middle Eastern, 0.023%; no homozygotes.

Submissions (3):

Labcorp Genetics (formerly Invitae), Labcorp
Classification: Likely benign. Last evaluated: 2025-12-23. Review status: criteria provided, single submitter. Criteria: Invitae Variant Classification Sherloc (09022015). Collection method: clinical testing. Allele origin: germline.

Blueprint Genetics
Classification: Likely benign. Last evaluated: 2023-07-07. Review status: criteria provided, single submitter. Criteria: ACMG Guidelines, 2015. Collection method: clinical testing. Allele origin: germline.

CeGaT Center for Human Genetics Tuebingen
Classification: Likely benign. Last evaluated: 2022-11-01. Review status: criteria provided, single submitter. Criteria: CeGaT Center For Human Genetics Tuebingen Variant Classification Criteria Version 2. Collection method: clinical testing. Allele origin: germline. Affected: yes. Observed: 1 variant allele.
Comment: POLA1: BP4, BP7, BS2

NM_001330360.2(POLA1):c.21C>T (p.Asp7=)

Gene: POLA1 (DNA polymerase alpha 1, catalytic subunit; plus strand). Cytogenetic location: Xp22.11.
Variant type: single nucleotide variant.
Coding change: c.21C>T on transcript NM_001330360.2 (MANE Select); coding-DNA position 21, C replaced by T.
Protein change: p.Asp7=; no amino-acid change (aspartic acid 7 retained).
Molecular consequence: synonymous variant. On other transcripts: non-coding transcript variant (2).
Genome position (GRCh38, 1-based): chrX:24,693,982, C>T. VCF-style: chrX-24693982-C-T. GRCh37 (hg19) VCF-style: chrX-24712099-C-T.
Other names: c.21C>T, p.Asp7= (NM_001378303.1, NM_016937.4).
Identifiers: ClinVar variation 1590307 (VCV001590307.34), dbSNP rs760997065, ClinGen allele CA10372687.